The following is an entry in ClinVar:

ClinVar aggregate classification (germline): Conflicting classifications of pathogenicity. Review status: criteria provided, conflicting classifications (1 of 4 stars). 2 submissions from 2 submitters: Likely pathogenic (1); Uncertain significance (1). Last evaluated 2026-02-20.

Conditions:
Inborn genetic diseases. Identifiers: MedGen C0950123, MeSH D030342.

gnomAD v4.1: 21 of 1,612,914 alleles (0.0013%); highest among the groups gnomAD compares: Non-Finnish European, 0.0016%; no homozygotes.

Submissions (2):

GeneDx
Classification: Likely pathogenic. Last evaluated: 2026-02-20. Review status: criteria provided, single submitter. Criteria: GeneDx Variant Classification Process June 2021. Collection method: clinical testing. Allele origin: germline.
Comment: Not observed at significant frequency in large population cohorts (gnomAD); In silico analysis supports that this missense variant has a deleterious effect on protein structure/function; Has not been previously published as pathogenic or benign to our knowledge

Ambry Genetics
Classification: Uncertain significance for Inborn genetic diseases. Last evaluated: 2025-07-02. Review status: criteria provided, single submitter. Criteria: Ambry Variant Classification Scheme 2023. Collection method: clinical testing. Allele origin: germline.

NM_001848.3(COL6A1):c.3035T>C (p.Leu1012Pro)

Gene: COL6A1 (collagen type VI alpha 1 chain; plus strand). Cytogenetic location: 21q22.3.
Variant type: single nucleotide variant.
Coding change: c.3035T>C on transcript NM_001848.3 (MANE Select); coding-DNA position 3035, T replaced by C.
Protein change: p.Leu1012Pro; replaces leucine 1012 with proline.
Molecular consequence: missense variant.
Genome position (GRCh38, 1-based): chr21:46,003,961, T>C. VCF-style: chr21-46003961-T-C. GRCh37 (hg19) VCF-style: chr21-47423875-T-C.
Other names: short protein forms L1012P.
Identifiers: ClinVar variation 4232397 (VCV004232397.3).